The following is an entry in ClinVar:

NM_004725.4(BUB3):c.169G>C (p.Gly57Arg)

Gene: BUB3 (BUB3 mitotic checkpoint protein; plus strand). Cytogenetic location: 10q26.13.
Variant type: single nucleotide variant.
Coding change: c.169G>C on transcript NM_004725.4 (MANE Select); coding-DNA position 169, G replaced by C.
Protein change: p.Gly57Arg; replaces glycine 57 with arginine.
Molecular consequence: missense variant.
Genome position (GRCh38, 1-based): chr10:123,155,086, G>C. VCF-style: chr10-123155086-G-C. GRCh37 (hg19) VCF-style: chr10-124914602-G-C.
Other names: c.169G>C, p.Gly57Arg (NM_001007793.3); short protein forms G57R.
Identifiers: ClinVar variation 3262288 (VCV003262288.1).

ClinVar aggregate classification (germline): Uncertain significance (1 of 4 stars; one submission).

gnomAD v4.1: 5 of 1,613,986 alleles (0.00031%); highest among the groups gnomAD compares: Non-Finnish European, 0.00042%; no homozygotes.

Submission:

Ambry Genetics
Classification: Uncertain significance. Last evaluated: 2024-06-22. Review status: criteria provided, single submitter. Criteria: Ambry Variant Classification Scheme 2023. Collection method: clinical testing. Allele origin: germline.
Comment: The p.G57R variant (also known as c.169G>C), located in coding exon 1 of the BUB3 gene, results from a G to C substitution at nucleotide position 169. The glycine at codon 57 is replaced by arginine, an amino acid with dissimilar properties. This amino acid position is conserved. In addition, this alteration is predicted to be tolerated by in silico analysis. Based on the available evidence, the clinical significance of this variant remains unclear.